The following is an entry in ClinVar:

NM_001366919.1(RNF212):c.804G>A (p.Arg268=)

Gene: RNF212 (ring finger protein 212; minus strand). Cytogenetic location: 4p16.3.
Variant type: single nucleotide variant.
Coding change: c.804G>A on transcript NM_001366919.1; coding-DNA position 804, G replaced by A.
Protein change: p.Arg268=; no amino-acid change (arginine 268 retained).
Molecular consequence: synonymous variant. On other transcripts: intron variant (1).
Genome position (GRCh38, 1-based): chr4:1,056,848, C>T on the plus strand (G>A on the coding strand, the complement: RNF212 is on the minus strand). VCF-style: chr4-1056848-C-T. GRCh37 (hg19) VCF-style: chr4-1050636-C-T.
Other names: c.648-345G>A (NM_001366918.1).
Identifiers: ClinVar variation 3031982 (VCV003031982.2), dbSNP rs60085185, ClinGen allele CA11713972.
Genomic context (GRCh38, chr4:1,056,848, plus strand): 5'-CACGCACTTTCCCAAGAGCATTTTCTTCCTGAGGCTGGCTGAGCACTTGCCTAAACACTG[C>T]CTCTGCAGCAGGCTGGGGATGCTGATGGGCGGCCGGGGGGGCAGCCTGGCCTGGGAGCCC-3'

ClinVar aggregate classification (germline): Benign (0 of 4 stars; one submission).

Conditions:
RNF212-related disorder. Also called: RNF212-related condition.

Allele frequency attached by ClinVar (database versions not stated): 1000 Genomes Project 30x 0.21221; gnomAD 0.21555; gnomAD exomes 0.09897; 1000 Genomes Project 0.19928; TOPMed 0.22798.
gnomAD v4.1: 115,500 of 987,466 alleles (12%); highest among the groups gnomAD compares: African/African-American, 54%; 12,439 homozygotes.

Submission:

PreventionGenetics, part of Exact Sciences
Classification: Benign for RNF212-related condition. Last evaluated: 2022-03-10. Review status: no assertion criteria provided. Collection method: clinical testing. Allele origin: germline.
Comment: This variant is classified as benign based on ACMG/AMP sequence variant interpretation guidelines (Richards et al. 2015 PMID: 25741868, with internal and published modifications).